The following is an entry in ClinVar:

ClinVar aggregate classification (germline): Uncertain significance (1 of 4 stars; one submission).

Conditions:
Cardiovascular phenotype. Identifiers: MedGen CN230736.

Submission:

Ambry Genetics
Classification: Uncertain significance for Cardiovascular phenotype. Last evaluated: 2020-05-27. Review status: criteria provided, single submitter. Criteria: Ambry Variant Classification Scheme 2023. Collection method: clinical testing. Allele origin: germline.
Comment: The c.4954-5delC alteration is located in Intron 34 (E) of the MYH7 gene. This alteration consists of a deletion of 1 nucleotides between nucleotide positions c.4954-5 and c.4954-5 Intron 34 (E). Based on insufficient or conflicting evidence, the clinical significance of this alteration remains unclear.

NM_000257.4(MYH7):c.4954-5del

Genes: MHRT (myosin heavy chain associated RNA transcript; plus strand), MYH7 (myosin heavy chain 7; minus strand), LOC126861897 (BRD4-independent group 4 enhancer GRCh37_chr14:23884455-23885654; plus strand). Cytogenetic location: 14q11.2.
Variant type: Deletion.
Coding change: c.4954-5del on transcript NM_000257.4 (MANE Select); 5 bases into the intron before coding-DNA position 4954, one base deleted (C; older notation c.4954-5delC).
Molecular consequence: intron variant.
Genome position (GRCh38, 1-based): chr14:23,415,837, G deleted on the plus strand (C on the coding strand, the reverse complement: MYH7 is on the minus strand); the first of 2 consecutive G bases (chr14:23,415,837-23,415,838); deleting either gives the same sequence. VCF-style (leftmost placement, unchanged base first): chr14-23415836-AG-A. GRCh37 (hg19) VCF-style: chr14-23885045-AG-A.
Other names: c.4954-5delC (NM_000257.4).
Identifiers: ClinVar variation 1744345 (VCV001744345.2), dbSNP rs2502243317, ClinGen allele CA2580087967.